The following is an entry in ClinVar:

ClinVar aggregate classification (germline): Uncertain significance (1 of 4 stars; one submission).

Conditions:
Pierpont syndrome (PRPTS). Identifiers: Orphanet 487825, MedGen C1865644, MONDO:0011213, OMIM 602342.

Submission:

Labcorp Genetics (formerly Invitae), Labcorp
Classification: Uncertain significance for Pierpont syndrome. Last evaluated: 2024-02-10. Review status: criteria provided, single submitter. Criteria: Invitae Variant Classification Sherloc (09022015). Collection method: clinical testing. Allele origin: germline.
Comment: This sequence change replaces histidine, which is basic and polar, with tyrosine, which is neutral and polar, at codon 296 of the TBL1XR1 protein (p.His296Tyr). This variant is not present in population databases (gnomAD no frequency). This variant has not been reported in the literature in individuals affected with TBL1XR1-related conditions. An algorithm developed to predict the effect of missense changes on protein structure and function (PolyPhen-2) suggests that this variant is likely to be tolerated. In summary, the available evidence is currently insufficient to determine the role of this variant in disease. Therefore, it has been classified as a Variant of Uncertain Significance.

NM_024665.7(TBL1XR1):c.886C>T (p.His296Tyr)

Genes: TBL1XR1 (TBL1X/Y related 1; minus strand), TBL1XR1-AS1 (TBL1XR1 antisense RNA 1; plus strand). Cytogenetic location: 3q26.32.
Variant type: single nucleotide variant.
Coding change: c.886C>T on transcript NM_024665.7 (MANE Select); coding-DNA position 886, C replaced by T.
Protein change: p.His296Tyr; replaces histidine 296 with tyrosine.
Molecular consequence: missense variant.
Genome position (GRCh38, 1-based): chr3:177,046,168, G>A on the plus strand (C>T on the coding strand, the complement: TBL1XR1 is on the minus strand). VCF-style: chr3-177046168-G-A. GRCh37 (hg19) VCF-style: chr3-176763956-G-A.
Other names: c.625C>T, p.His209Tyr (NM_001321195.3, NM_001374330.1); c.886C>T, p.His296Tyr (NM_001374327.1, NM_001374328.1, NM_001374329.1 and 2 more transcripts); short protein forms H296Y, H209Y.
Identifiers: ClinVar variation 3639988 (VCV003639988.2).
Genomic context (GRCh38, chr3:177,046,168, plus strand): 5'-CGTAAATTATAAGAAATTTACCTGAATGAAAAGGAAACTGTTGCTTGGCTTCACCAGTAT[G>A]TGCGTCCCAAATAATTGTAGTCTGAGATTAAAAGGAAAAGAAAAATAAACTCATGGAAAG-3'
Protein context (NP_078941.2, residues 286-306): VDKTTIIWDA[His296Tyr]TGEAKQQFPF